The following is an entry in ClinVar:

NM_001276345.2(TNNT2):c.214del (p.Glu72fs)

Gene: TNNT2 (troponin T2, cardiac type; minus strand). Cytogenetic location: 1q32.1.
Variant type: Deletion.
Coding change: c.214del on transcript NM_001276345.2 (MANE Select); coding-DNA position 214, one base deleted (G; older notation c.214delG).
Protein change: p.Glu72fs; shifts the reading frame from glutamic acid 72.
Molecular consequence: frameshift variant.
Genome position (GRCh38, 1-based): chr1:201,366,857, C deleted on the plus strand (G on the coding strand, the reverse complement: TNNT2 is on the minus strand); the first of 2 consecutive C bases (chr1:201,366,857-201,366,858); deleting either gives the same sequence. VCF-style (leftmost placement, unchanged base first): chr1-201366856-TC-T. GRCh37 (hg19) VCF-style: chr1-201335984-TC-T.
Other names: c.214del, p.Glu72fs (NM_000364.4, NM_001406723.1); c.184del, p.Glu62fs (NM_001001430.3, NM_001001431.3, NM_001276347.2 and 3 more transcripts); c.169del, p.Glu57fs (NM_001001432.3, NM_001406728.1); c.211del, p.Glu71fs (NM_001276346.2); c.181del, p.Glu61fs (NM_001406725.1); short protein forms E57fs, E61fs, E71fs, E72fs, E62fs.
Identifiers: ClinVar variation 4792045 (VCV004792045.1).

ClinVar aggregate classification (germline): Uncertain significance (1 of 4 stars; one submission).

Conditions:
Dilated cardiomyopathy 1D. Identifiers: Orphanet 154, Orphanet 54260, MedGen C1832243, MONDO:0011095, OMIM 601494.
Hypertrophic cardiomyopathy 2. Also called: TNNT2-Related Familial Hypertrophic Cardiomyopathy. Identifiers: MedGen C1861864, MONDO:0007266, OMIM 115195.
Cardiomyopathy, familial restrictive, 3. Identifiers: Orphanet 75249, MedGen C2676271, MONDO:0012900, OMIM 612422.

Submission:

Labcorp Genetics (formerly Invitae), Labcorp
Classification: Uncertain significance for Cardiomyopathy, familial restrictive, 3; Hypertrophic cardiomyopathy 2; Dilated cardiomyopathy 1D. Last evaluated: 2025-12-24. Review status: criteria provided, single submitter. Criteria: Invitae Variant Classification Sherloc (09022015). Collection method: clinical testing. Allele origin: germline.
Comment: This sequence change creates a premature translational stop signal (p.Glu62Serfs*38) in the TNNT2 gene. It is expected to result in an absent or disrupted protein product. However, the current clinical and genetic evidence is not sufficient to establish whether loss-of-function variants in TNNT2 cause disease. This variant is not present in population databases (gnomAD no frequency). This variant has not been reported in the literature in individuals affected with TNNT2-related conditions. In summary, the available evidence is currently insufficient to determine the role of this variant in disease. Therefore, it has been classified as a Variant of Uncertain Significance.